The following is an entry in ClinVar:

ClinVar aggregate classification (germline): Uncertain significance (1 of 4 stars; one submission).

Conditions:
Inborn genetic diseases. Identifiers: MedGen C0950123, MeSH D030342.

gnomAD v4.1: 3 of 1,613,712 alleles (0.00019%); highest among the groups gnomAD compares: Admixed American, 0.005%; no homozygotes.

Submission:

Ambry Genetics
Classification: Uncertain significance for Inborn genetic diseases. Last evaluated: 2025-08-09. Review status: criteria provided, single submitter. Criteria: Ambry Variant Classification Scheme 2023. Collection method: clinical testing. Allele origin: germline.
Comment: The p.I412L variant (also known as c.1234A>C), located in coding exon 7 of the ERCC6L2 gene, results from an A to C substitution at nucleotide position 1234. The isoleucine at codon 412 is replaced by leucine, an amino acid with highly similar properties. This amino acid position is conserved. In addition, this alteration is predicted to be tolerated by in silico analysis. Based on the available evidence, the clinical significance of this variant remains unclear.

NM_020207.7(ERCC6L2):c.1234A>C (p.Ile412Leu)

Gene: ERCC6L2 (ERCC excision repair 6 like 2; plus strand). Cytogenetic location: 9q22.32.
Variant type: single nucleotide variant.
Coding change: c.1234A>C on transcript NM_020207.7 (MANE Select); coding-DNA position 1234, A replaced by C.
Protein change: p.Ile412Leu; replaces isoleucine 412 with leucine.
Molecular consequence: missense variant. On other transcripts: non-coding transcript variant (1).
Genome position (GRCh38, 1-based): chr9:95,921,250, A>C. VCF-style: chr9-95921250-A-C. GRCh37 (hg19) VCF-style: chr9-98683532-A-C.
Other names: c.1234A>C, p.Ile412Leu (NM_001010895.4, NM_001375291.1, NM_001375292.1 and 2 more transcripts); short protein forms I412L.
Identifiers: ClinVar variation 4250618 (VCV004250618.1).